The following is an entry in ClinVar:

ClinVar aggregate classification (germline): Uncertain significance. Review status: criteria provided, multiple submitters, no conflicts (2 of 4 stars). 2 submissions from 2 submitters: Uncertain significance (2). Last evaluated 2026-04-15.

Conditions:
Juvenile polyposis syndrome (JPS). Identifiers: Orphanet 2929, MedGen C0345893, MONDO:0017380, OMIM 174900.
Hereditary cancer-predisposing syndrome. Also called: Tumor predisposition; Hereditary Cancer Syndrome; Neoplastic Syndromes, Hereditary; Hereditary neoplastic syndrome. Identifiers: Orphanet 140162, MedGen C0027672, MeSH D009386, MONDO:0015356.
Familial thoracic aortic aneurysm and aortic dissection (TAAD). Also called: Thoracic aortic aneurysms and dissections. Identifiers: Orphanet 91387, MedGen C4707243, MONDO:0019625.

Submissions (2):

Ambry Genetics
Classification: Uncertain significance for Hereditary cancer-predisposing syndrome; Familial thoracic aortic aneurysm and aortic dissection. Last evaluated: 2026-04-15. Review status: criteria provided, single submitter. Criteria: Ambry Variant Classification Scheme 2023. Collection method: clinical testing. Allele origin: germline.

Labcorp Genetics (formerly Invitae), Labcorp
Classification: Uncertain significance for Juvenile polyposis syndrome. Last evaluated: 2024-11-04. Review status: criteria provided, single submitter. Criteria: Invitae Variant Classification Sherloc (09022015). Collection method: clinical testing. Allele origin: germline.
Comment: This sequence change replaces arginine, which is basic and polar, with histidine, which is basic and polar, at codon 97 of the SMAD4 protein (p.Arg97His). This variant is not present in population databases (gnomAD no frequency). This missense change has been observed in individual(s) with clinical features of SMAD4-related conditions (internal data). ClinVar contains an entry for this variant (Variation ID: 581008). Invitae Evidence Modeling of protein sequence and biophysical properties (such as structural, functional, and spatial information, amino acid conservation, physicochemical variation, residue mobility, and thermodynamic stability) has been performed for this missense variant. However, the output from this modeling did not meet the statistical confidence thresholds required to predict the impact of this variant on SMAD4 protein function. In summary, the available evidence is currently insufficient to determine the role of this variant in disease. Therefore, it has been classified as a Variant of Uncertain Significance.

NM_005359.6(SMAD4):c.290G>A (p.Arg97His)

Gene: SMAD4 (SMAD family member 4; plus strand). Cytogenetic location: 18q21.2.
Variant type: single nucleotide variant.
Coding change: c.290G>A on transcript NM_005359.6 (MANE Select); coding-DNA position 290, G replaced by A.
Protein change: p.Arg97His; replaces arginine 97 with histidine.
Molecular consequence: missense variant.
Genome position (GRCh38, 1-based): chr18:51,048,726, G>A. VCF-style: chr18-51048726-G-A. GRCh37 (hg19) VCF-style: chr18-48575096-G-A.
Other names: short protein forms R97H.
Identifiers: ClinVar variation 581008 (VCV000581008.15), dbSNP rs1555685159, ClinGen allele CA402458254.